The following is an entry in ClinVar:

ClinVar aggregate classification (germline): Likely pathogenic. Review status: criteria provided, multiple submitters, no conflicts (2 of 4 stars). 2 submissions from 2 submitters: Likely pathogenic (2). Last evaluated 2025-01-09.

Conditions:
Pituitary adenoma 5, multiple types. Identifiers: MedGen C4539685, MONDO:0054601, OMIM 617540.
Autosomal recessive nonsyndromic hearing loss 12. Also called: DEAFNESS, AUTOSOMAL RECESSIVE 12. Identifiers: Orphanet 90636, MedGen C1832394, MONDO:0011067, OMIM 601386.

Submissions (2):

Institute of Rare Diseases, West China Hospital, Sichuan University
Classification: Likely pathogenic for Autosomal recessive nonsyndromic hearing loss 12. Last evaluated: 2025-01-09. Review status: criteria provided, single submitter. Criteria: ClinGen HL ACMG Specifications v1. Collection method: research. Allele origin: germline. Affected: yes.
Comment: PVS1;PM2_Supporting

Baylor Genetics
Classification: Likely pathogenic for Pituitary adenoma 5, multiple types. Last evaluated: 2024-01-04. Review status: criteria provided, single submitter. Criteria: ACMG Guidelines, 2015. Collection method: clinical testing. Allele origin: unknown.

NM_022124.6(CDH23):c.39G>A (p.Trp13Ter)

Gene: CDH23 (cadherin related 23; plus strand). Cytogenetic location: 10q22.1.
Variant type: single nucleotide variant.
Coding change: c.39G>A on transcript NM_022124.6 (MANE Select); coding-DNA position 39, G replaced by A.
Protein change: p.Trp13Ter; replaces tryptophan 13 with a stop codon.
Molecular consequence: nonsense.
Genome position (GRCh38, 1-based): chr10:71,439,870, G>A. VCF-style: chr10-71439870-G-A. GRCh37 (hg19) VCF-style: chr10-73199627-G-A.
Other names: c.39G>A, p.Trp13Ter (NM_001171930.2, NM_001171931.2, NM_001171932.2 and 1 more transcripts); short protein forms W13*.
Identifiers: ClinVar variation 3241049 (VCV003241049.2), dbSNP rs1325941288.